The following is an entry in ClinVar:

ClinVar aggregate classification (germline): Uncertain significance. Review status: criteria provided, multiple submitters, no conflicts (2 of 4 stars). 6 submissions from 6 submitters: Uncertain significance (6). Last evaluated 2026-03-20.

Conditions:
Classic or attenuated familial adenomatous polyposis. Identifiers: MedGen CN372698, MONDO:0021057.
Hereditary cancer-predisposing syndrome. Also called: Neoplastic Syndromes, Hereditary; Hereditary Cancer Syndrome; Tumor predisposition; Hereditary neoplastic syndrome. Identifiers: Orphanet 140162, MedGen C0027672, MeSH D009386, MONDO:0015356.
Familial adenomatous polyposis 1 (FAP1). Also called: POLYPOSIS, ADENOMATOUS INTESTINAL; FAMILIAL ADENOMATOUS POLYPOSIS 1, ATTENUATED. Identifiers: MedGen C2713442, MONDO:0021056, OMIM 175100. Disease mechanism: loss of function.

Allele frequency attached by ClinVar (database versions not stated): gnomAD exomes below 0.00001.
gnomAD v4.1: 1 of 1,613,118 alleles (0.000062%); highest among the groups gnomAD compares: Admixed American, 0.0017%; no homozygotes.

Submissions (6):

GeneDx
Classification: Uncertain significance. Last evaluated: 2026-03-20. Review status: criteria provided, single submitter. Criteria: GeneDx Variant Classification Process June 2021. Collection method: clinical testing. Allele origin: germline.
Comment: Not observed at significant frequency in large population cohorts (gnomAD); In silico analysis supports that this missense variant has a deleterious effect on protein structure/function; Has not been previously published as pathogenic or benign to our knowledge

Ambry Genetics
Classification: Uncertain significance for Hereditary cancer-predisposing syndrome. Last evaluated: 2025-04-10. Review status: criteria provided, single submitter. Criteria: Ambry Variant Classification Scheme 2023. Collection method: clinical testing. Allele origin: germline.
Comment: The p.D256G variant (also known as c.767A>G), located in coding exon 7 of the APC gene, results from an A to G substitution at nucleotide position 767. The aspartic acid at codon 256 is replaced by glycine, an amino acid with similar properties. This amino acid position is poorly conserved in available vertebrate species. In addition, in silico predictors for this gene do not accurately predict pathogenicity. Since supporting evidence is limited at this time, the clinical significance of this alteration remains unclear.

Labcorp Genetics (formerly Invitae), Labcorp
Classification: Uncertain significance for Familial adenomatous polyposis 1. Last evaluated: 2024-12-22. Review status: criteria provided, single submitter. Criteria: Invitae Variant Classification Sherloc (09022015). Collection method: clinical testing. Allele origin: germline.
Comment: This sequence change replaces aspartic acid, which is acidic and polar, with glycine, which is neutral and non-polar, at codon 256 of the APC protein (p.Asp256Gly). This variant is present in population databases (no rsID available, gnomAD 0.003%). This variant has not been reported in the literature in individuals affected with APC-related conditions. ClinVar contains an entry for this variant (Variation ID: 827191). Invitae Evidence Modeling of protein sequence and biophysical properties (such as structural, functional, and spatial information, amino acid conservation, physicochemical variation, residue mobility, and thermodynamic stability) indicates that this missense variant is not expected to disrupt APC protein function with a negative predictive value of 95%. In summary, the available evidence is currently insufficient to determine the role of this variant in disease. Therefore, it has been classified as a Variant of Uncertain Significance.

Color Diagnostics, LLC DBA Color Health
Classification: Uncertain significance for Hereditary cancer-predisposing syndrome. Last evaluated: 2024-03-06. Review status: criteria provided, single submitter. Criteria: ACMG Guidelines, 2015. Collection method: clinical testing. Allele origin: germline.
Comment: This missense variant replaces aspartic acid with glycine at codon 256 of the APC protein. Computational prediction suggests that this variant may not impact protein structure and function (internally defined REVEL score threshold <= 0.5, PMID: 27666373). To our knowledge, functional studies have not been reported for this variant. This variant has not been reported in individuals affected with APC-related disorders in the literature. This variant has been identified in 1/251090 chromosomes in the general population by the Genome Aggregation Database (gnomAD). The available evidence is insufficient to determine the role of this variant in disease conclusively. Therefore, this variant is classified as a Variant of Uncertain Significance.

All of Us Research Program, National Institutes of Health
Classification: Uncertain significance for Classic or attenuated familial adenomatous polyposis. Last evaluated: 2023-08-15. Review status: criteria provided, single submitter. Criteria: ACMG Guidelines, 2015. Collection method: clinical testing. Allele origin: germline. Inheritance: Autosomal dominant inheritance. Observed: 2 variant alleles, 2 heterozygotes.
Comment: This missense variant replaces aspartic acid with glycine at codon 256 of the APC protein. Computational prediction suggests that this variant may not impact protein structure and function (internally defined REVEL score threshold <= 0.5, PMID: 27666373). To our knowledge, functional studies have not been reported for this variant. This variant has not been reported in individuals affected with APC-related disorders in the literature. This variant has been identified in 1/251090 chromosomes in the general population by the Genome Aggregation Database (gnomAD). The available evidence is insufficient to determine the role of this variant in disease conclusively. Therefore, this variant is classified as a Variant of Uncertain Significance.

This study involves interpretation of variants in research participants for the purpose of population health screening. Participant phenotype was not available at the time of variant classification. Additional details can be found in publication PMID: 35346344, PMCID: PMC8962531

Baylor Genetics
Classification: Uncertain significance for Familial adenomatous polyposis 1. Last evaluated: 2023-08-04. Review status: criteria provided, single submitter. Criteria: ACMG Guidelines, 2015. Collection method: clinical testing. Allele origin: unknown.

NM_000038.6(APC):c.767A>G (p.Asp256Gly)

Gene: APC (APC regulator of Wnt signaling pathway; plus strand). Cytogenetic location: 5q22.2.
Variant type: single nucleotide variant.
Coding change: c.767A>G on transcript NM_000038.6 (MANE Select); coding-DNA position 767, A replaced by G.
Protein change: p.Asp256Gly; replaces aspartic acid 256 with glycine.
Molecular consequence: missense variant. On other transcripts: 5 prime UTR variant (1).
Genome position (GRCh38, 1-based): chr5:112,801,316, A>G. VCF-style: chr5-112801316-A-G. GRCh37 (hg19) VCF-style: chr5-112137013-A-G.
Other names: c.767A>G, p.Asp256Gly (NM_001127510.3, NM_001354895.2, NM_001354896.2 and 1 more transcripts); c.713A>G, p.Asp238Gly (NM_001127511.3); c.797A>G, p.Asp266Gly (NM_001354897.2, NM_001354902.2); c.692A>G, p.Asp231Gly (NM_001354898.2, NM_001354904.2); c.683A>G, p.Asp228Gly (NM_001354899.2); c.590A>G, p.Asp197Gly (NM_001354900.2, NM_001354901.2, NM_001354905.2); c.-269A>G (NM_001354906.2); short protein forms D266G, D197G, D228G, D256G, D231G, D238G.
Identifiers: ClinVar variation 827191 (VCV000827191.58), dbSNP rs1189229292, ClinGen allele CA16023009.